The following is an entry in ClinVar:

ClinVar aggregate classification (germline): Pathogenic (1 of 4 stars; one submission).

Allele frequency attached by ClinVar (database versions not stated): gnomAD exomes 0.00001; ExAC 0.00002.
gnomAD v4.1: 18 of 1,613,740 alleles (0.0011%); highest among the groups gnomAD compares: South Asian, 0.0055%; no homozygotes.

Submission:

Labcorp Genetics (formerly Invitae), Labcorp
Classification: Pathogenic. Last evaluated: 2023-12-11. Review status: criteria provided, single submitter. Criteria: Invitae Variant Classification Sherloc (09022015). Collection method: clinical testing. Allele origin: germline.
Comment: This sequence change creates a premature translational stop signal (p.Arg1241*) in the TONSL gene. It is expected to result in an absent or disrupted protein product. Loss-of-function variants in TONSL are known to be pathogenic (PMID: 30773277). This variant is present in population databases (rs782512578, gnomAD 0.006%). This variant has not been reported in the literature in individuals affected with TONSL-related conditions. For these reasons, this variant has been classified as Pathogenic.

Literature cited by the submitters: PubMed 30773277.

NM_013432.5(TONSL):c.3721C>T (p.Arg1241Ter)

Gene: TONSL (tonsoku like, DNA repair protein; minus strand). Cytogenetic location: 8q24.3.
Variant type: single nucleotide variant.
Coding change: c.3721C>T on transcript NM_013432.5 (MANE Select); coding-DNA position 3721, C replaced by T.
Protein change: p.Arg1241Ter; replaces arginine 1241 with a stop codon.
Molecular consequence: nonsense.
Genome position (GRCh38, 1-based): chr8:144,432,299, G>A on the plus strand (C>T on the coding strand, the complement: TONSL is on the minus strand). VCF-style: chr8-144432299-G-A. GRCh37 (hg19) VCF-style: chr8-145657682-G-A.
Other names: short protein forms R1241*.
Identifiers: ClinVar variation 2814759 (VCV002814759.3), dbSNP rs782512578, ClinGen allele CA4942403.
Genomic context (GRCh38, chr8:144,432,299, plus strand): 5'-TGGCCTCTGAGGCTCAGTATTTTCTGGGTTCTTCCCCACCTCGTACCTTGGCCAGGTATC[G>A]GAATACAGGCTCCATGAGGTCCGAATCACCCTTGCCGGCTGCCACGGAGCTGAGCTCTAA-3'